The following is an entry in ClinVar:

ClinVar aggregate classification (germline): Likely benign (1 of 4 stars; one submission).

Submission:

CeGaT Center for Human Genetics Tuebingen
Classification: Likely benign. Last evaluated: 2025-12-01. Review status: criteria provided, single submitter. Criteria: CeGaT Center For Human Genetics Tuebingen Variant Classification Criteria Version 2. Collection method: clinical testing. Allele origin: germline. Affected: yes. Observed: 1 variant allele.
Comment: ARSA: PM2:Supporting, BP4, BP7

NM_000487.6(ARSA):c.36C>G (p.Ala12=)

Gene: ARSA (arylsulfatase A; minus strand). Cytogenetic location: 22q13.33.
Variant type: single nucleotide variant.
Coding change: c.36C>G on transcript NM_000487.6 (MANE Select); coding-DNA position 36, C replaced by G.
Protein change: p.Ala12=; no amino-acid change (alanine 12 retained).
Molecular consequence: synonymous variant. On other transcripts: intron variant (2).
Genome position (GRCh38, 1-based): chr22:50,627,744, G>C on the plus strand (C>G on the coding strand, the complement: ARSA is on the minus strand). VCF-style: chr22-50627744-G-C. GRCh37 (hg19) VCF-style: chr22-51066172-G-C.
Other names: c.36C>G, p.Ala12= (NM_001085425.3, NM_001085426.3, NM_001085427.3); c.-35+247C>G (NM_001362782.2); c.-35+202C>G (NM_001085428.3).
Identifiers: ClinVar variation 4681938 (VCV004681938.5).